The following is an entry in ClinVar:

NM_015122.3(FCHO1):c.1145C>A (p.Ala382Asp)

Gene: FCHO1 (FCH and mu domain containing endocytic adaptor 1; plus strand). Cytogenetic location: 19p13.11.
Variant type: single nucleotide variant.
Coding change: c.1145C>A on transcript NM_015122.3 (MANE Select); coding-DNA position 1145, C replaced by A.
Protein change: p.Ala382Asp; replaces alanine 382 with aspartic acid.
Molecular consequence: missense variant. On other transcripts: non-coding transcript variant (36).
Genome position (GRCh38, 1-based): chr19:17,776,124, C>A. VCF-style: chr19-17776124-C-A. GRCh37 (hg19) VCF-style: chr19-17886933-C-A.
Other names: c.1145C>A, p.Ala382Asp (NM_001161357.2, NM_001161358.2, NM_001384370.1 and 25 more transcripts); c.995C>A, p.Ala332Asp (NM_001161359.2, NM_001384384.1, NM_001384385.1 and 3 more transcripts); c.1106C>A, p.Ala369Asp (NM_001384388.1, NM_001384389.1, NM_001384405.1); c.1070C>A, p.Ala357Asp (NM_001384390.1); c.1100C>A, p.Ala367Asp (NM_001384403.1); c.1145C>A (NM_001161357.1); short protein forms A332D, A367D, A357D, A369D, A382D.
Identifiers: ClinVar variation 1382164 (VCV001382164.7), dbSNP rs1208195739, ClinGen allele CA404751439.

ClinVar aggregate classification (germline): Uncertain significance. Review status: criteria provided, multiple submitters, no conflicts (2 of 4 stars). 2 submissions from 2 submitters: Uncertain significance (2). Last evaluated 2022-12-28.

Submissions (2):

Ambry Genetics
Classification: Uncertain significance. Last evaluated: 2022-12-28. Review status: criteria provided, single submitter. Criteria: Ambry Variant Classification Scheme 2023. Collection method: clinical testing. Allele origin: germline.

Labcorp Genetics (formerly Invitae), Labcorp
Classification: Uncertain significance. Last evaluated: 2021-09-19. Review status: criteria provided, single submitter. Criteria: Invitae Variant Classification Sherloc (09022015). Collection method: clinical testing. Allele origin: germline.
Comment: In summary, the available evidence is currently insufficient to determine the role of this variant in disease. Therefore, it has been classified as a Variant of Uncertain Significance. Algorithms developed to predict the effect of missense changes on protein structure and function are either unavailable or do not agree on the potential impact of this missense change (SIFT: "Tolerated"; PolyPhen-2: "Probably Damaging"; Align-GVGD: "Class C0"). This sequence change replaces alanine with aspartic acid at codon 382 of the FCHO1 protein (p.Ala382Asp). The alanine residue is moderately conserved and there is a moderate physicochemical difference between alanine and aspartic acid. This variant is not present in population databases (ExAC no frequency). This variant has not been reported in the literature in individuals affected with FCHO1-related conditions.